The following is an entry in ClinVar:

NM_000709.4(BCKDHA):c.776C>T (p.Pro259Leu)

Gene: BCKDHA (branched chain keto acid dehydrogenase E1 subunit alpha; plus strand). Cytogenetic location: 19q13.2.
Variant type: single nucleotide variant.
Coding change: c.776C>T on transcript NM_000709.4 (MANE Select); coding-DNA position 776, C replaced by T.
Protein change: p.Pro259Leu; replaces proline 259 with leucine.
Molecular consequence: missense variant.
Genome position (GRCh38, 1-based): chr19:41,422,293, C>T. VCF-style: chr19-41422293-C-T. GRCh37 (hg19) VCF-style: chr19-41928198-C-T.
Other names: c.776C>T, p.Pro259Leu (NM_001164783.2); short protein forms P259L.
Identifiers: ClinVar variation 1519764 (VCV001519764.11), dbSNP rs2122143393, ClinGen allele CA406012929.

ClinVar aggregate classification (germline): Conflicting classifications of pathogenicity. Review status: criteria provided, conflicting classifications (1 of 4 stars). 2 submissions from 2 submitters: Pathogenic (1); Uncertain significance (1). Last evaluated 2025-10-01.

Conditions:
Maple syrup urine disease (MSUD). Identifiers: Orphanet 511, MedGen C0024776, MeSH D008375, MONDO:0009563. Disease mechanism: loss of function.

Allele frequency attached by ClinVar (database versions not stated): gnomAD exomes below 0.00001.
gnomAD v4.1: 1 of 1,614,192 alleles (0.000062%); highest among the groups gnomAD compares: African/African-American, 0.0013%; no homozygotes.

Submissions (2):

Women's Health and Genetics/Laboratory Corporation of America, LabCorp
Classification: Uncertain significance. Last evaluated: 2025-10-01. Review status: criteria provided, single submitter. Criteria: LabCorp Variant Classification Summary - May 2015. Collection method: clinical testing. Allele origin: germline.
Comment: Variant summary: BCKDHA c.776C>T (p.Pro259Leu) results in a non-conservative amino acid change located in the Dehydrogenase, E1 component (IPR001017) of the encoded protein sequence. Algorithms developed to predict the effect of missense changes on protein structure and function all suggest that this variant is likely to be disruptive. The variant was absent in 251472 control chromosomes. The available data on variant occurrences in the general population are insufficient to allow any conclusion about variant significance. These data do not allow any conclusion about variant significance. To our knowledge, no experimental evidence demonstrating an impact on protein function has been reported. ClinVar contains an entry for this variant (Variation ID: 1519764). Based on the evidence outlined above, the variant was classified as uncertain significance.

Labcorp Genetics (formerly Invitae), Labcorp
Classification: Pathogenic for Maple syrup urine disease. Last evaluated: 2022-10-21. Review status: criteria provided, single submitter. Criteria: Invitae Variant Classification Sherloc (09022015). Collection method: clinical testing. Allele origin: germline.
Comment: Advanced modeling of protein sequence and biophysical properties (such as structural, functional, and spatial information, amino acid conservation, physicochemical variation, residue mobility, and thermodynamic stability) performed at Invitae indicates that this missense variant is expected to disrupt BCKDHA protein function. For these reasons, this variant has been classified as Pathogenic. ClinVar contains an entry for this variant (Variation ID: 1519764). This missense change has been observed in individual(s) with maple syrup urine disease (Invitae). In at least one individual the data is consistent with being in trans (on the opposite chromosome) from a pathogenic variant. This variant is not present in population databases (gnomAD no frequency). This sequence change replaces proline, which is neutral and non-polar, with leucine, which is neutral and non-polar, at codon 259 of the BCKDHA protein (p.Pro259Leu).